The following is an entry in ClinVar:

NM_001287.6(CLCN7):c.*97C>A

Gene: CLCN7 (Cl-/H+ antiporter 7; minus strand). Cytogenetic location: 16p13.3.
Variant type: single nucleotide variant.
Coding change: c.*97C>A on transcript NM_001287.6 (MANE Select); 97 bases downstream of the stop codon, C replaced by A.
Molecular consequence: 3 prime UTR variant.
Genome position (GRCh38, 1-based): chr16:1,446,534, G>T on the plus strand (C>A on the coding strand, the complement: CLCN7 is on the minus strand). VCF-style: chr16-1446534-G-T. GRCh37 (hg19) VCF-style: chr16-1496535-G-T.
Other names: c.*97C>A (NM_001114331.3).
Identifiers: ClinVar variation 4853427 (VCV004853427.1).

ClinVar aggregate classification (germline): Uncertain significance (1 of 4 stars; one submission).

gnomAD v4.1: 3 of 1,156,570 alleles (0.00026%); highest among the groups gnomAD compares: Non-Finnish European, 0.00038%; no homozygotes.

Submission:

Women's Health and Genetics/Laboratory Corporation of America, LabCorp
Classification: Uncertain significance. Last evaluated: 2026-05-27. Review status: criteria provided, single submitter. Criteria: LabCorp Variant Classification Summary - May 2015. Collection method: clinical testing. Allele origin: germline.
Comment: Variant summary: CLCN7 c.*97C>A is located in the untranslated mRNA region downstream of the termination codon. The frequency data for this variant in gnomAD is considered unreliable, as metrics indicate poor data quality at this position. To our knowledge, no occurrence of c.*97C>A in individuals affected with CLCN7-related conditions and no experimental evidence demonstrating its impact on protein function have been reported. No submitters have cited clinical-significance assessments for this variant to ClinVar. Based on the evidence outlined above, the variant was classified as uncertain significance.